The following is an entry in ClinVar:

NM_000094.4(COL7A1):c.3889G>A (p.Glu1297Lys)

Gene: COL7A1 (collagen type VII alpha 1 chain; minus strand). Cytogenetic location: 3p21.31.
Variant type: single nucleotide variant.
Coding change: c.3889G>A on transcript NM_000094.4 (MANE Select); coding-DNA position 3889, G replaced by A.
Protein change: p.Glu1297Lys; replaces glutamic acid 1297 with lysine.
Molecular consequence: missense variant.
Genome position (GRCh38, 1-based): chr3:48,585,562, C>T on the plus strand (G>A on the coding strand, the complement: COL7A1 is on the minus strand). VCF-style: chr3-48585562-C-T. GRCh37 (hg19) VCF-style: chr3-48622995-C-T.
Other names: short protein forms E1297K.
Identifiers: ClinVar variation 345854 (VCV000345854.37), dbSNP rs149881350, ClinGen allele CA2380347.
Genomic context (GRCh38, chr3:48,585,562, plus strand): 5'-CCCGAGACAGCTTTGAGGAGTGCCTCAGAGAAACCTCGATGGTCTCCACACTCACCCTCT[C>T]GCCCTTGGCAGTGGCACTTCCAGGGGGCCCCTGGGGGCCGGGAGCACCGGTCCTGCCCTG-3'
Protein context (NP_000085.1, residues 1287-1307): GPPGSATAKG[Glu1297Lys]RGFPGADGRP

ClinVar aggregate classification (germline): Benign/Likely benign. Review status: criteria provided, multiple submitters, no conflicts (2 of 4 stars). 5 submissions from 5 submitters: Benign (1); Likely benign (2). 2 of the submissions do not count toward it. Last evaluated 2026-04-01.

Conditions:
Epidermolysis bullosa dystrophica. Also called: Dystrophic epidermolysis bullosa, Hallopeau-Siemens type (formerly); Dystrophic epidermolysis bullosa. Identifiers: Orphanet 303, MedGen C0079294, MONDO:0006543.
Epidermolysis bullosa dystrophica inversa, autosomal recessive. Identifiers: MedGen C2673612.
COL7A1-related disorder. Also called: COL7A1- related disorders; COL7A1-related condition.

Allele frequency attached by ClinVar (database versions not stated): 1000 Genomes Project 30x 0.00047; 1000 Genomes Project 0.00080; TOPMed 0.00126; ESP Exome Variant Server 0.00138; gnomAD 0.00138 and 0.00144; gnomAD exomes 0.00152; ExAC 0.00153.
gnomAD v4.1: 2,753 of 1,613,886 alleles (0.17%); highest among the groups gnomAD compares: South Asian, 0.4%; 10 homozygotes.

Submissions (5):

CeGaT Center for Human Genetics Tuebingen
Classification: Likely benign. Last evaluated: 2026-04-01. Review status: criteria provided, single submitter. Criteria: CeGaT Center For Human Genetics Tuebingen Variant Classification Criteria Version 2. Collection method: clinical testing. Allele origin: germline. Affected: yes. Observed: 5 variant alleles.
Comment: COL7A1: BS2

Labcorp Genetics (formerly Invitae), Labcorp
Classification: Benign. Last evaluated: 2026-02-02. Review status: criteria provided, single submitter. Criteria: Invitae Variant Classification Sherloc (09022015). Collection method: clinical testing. Allele origin: germline.

Illumina Laboratory Services, Illumina
Classification: Likely benign for Dystrophic epidermolysis bullosa. Last evaluated: 2018-01-13. Review status: criteria provided, single submitter. Criteria: ICSL Variant Classification Criteria 13 December 2019. Collection method: clinical testing. Allele origin: germline.
Comment: This variant was observed in the ICSL laboratory as part of a predisposition screen in an ostensibly healthy population. It had not been previously curated by ICSL or reported in the Human Gene Mutation Database (HGMD: prior to June 1st, 2018), and was therefore a candidate for classification through an automated scoring system. Utilizing variant allele frequency, disease prevalence and penetrance estimates, and inheritance mode, an automated score was calculated to assess if this variant is too frequent to cause the disease. Based on the score and internal cut-off values, a variant classified as likely benign is not then subjected to further curation. The score for this variant resulted in a classification of likely benign for this disease.

PreventionGenetics, part of Exact Sciences
Classification: Likely benign for COL7A1-related condition. Last evaluated: 2023-01-31. Review status: no assertion criteria provided. Collection method: clinical testing. Allele origin: germline. Not counted in ClinVar's aggregate classification.
Comment: This variant is classified as likely benign based on ACMG/AMP sequence variant interpretation guidelines (Richards et al. 2015 PMID: 25741868, with internal and published modifications).

Natera, Inc.
Classification: Benign for Autosomal recessive epidermolysis bullosa dystrophica inversa. Last evaluated: 2020-01-08. Review status: no assertion criteria provided. Collection method: clinical testing. Allele origin: germline. Not counted in ClinVar's aggregate classification.